The following is an entry in ClinVar:

NM_020921.4(NIN):c.1553A>G (p.Asp518Gly)

Gene: NIN (ninein; minus strand). Cytogenetic location: 14q22.1.
Variant type: single nucleotide variant.
Coding change: c.1553A>G on transcript NM_020921.4 (MANE Select); coding-DNA position 1553, A replaced by G.
Protein change: p.Asp518Gly; replaces aspartic acid 518 with glycine.
Molecular consequence: missense variant.
Genome position (GRCh38, 1-based): chr14:50,766,389, T>C on the plus strand (A>G on the coding strand, the complement: NIN is on the minus strand). VCF-style: chr14-50766389-T-C. GRCh37 (hg19) VCF-style: chr14-51233107-T-C.
Other names: c.1553A>G, p.Asp518Gly (NM_016350.5, NM_182944.3, NM_182946.2); short protein forms D518G.
Identifiers: ClinVar variation 3625564 (VCV003625564.2).
Genomic context (GRCh38, chr14:50,766,389, plus strand): 5'-TTTCTCATCTGTGTCAGTCTCTCTTCTTGCAGGAAGAACTCAGCACTGCTAGGATCGAGG[T>C]CACCAAACTAGAAGGGGAAAAGGGCAAAGCTGTCATTTTTCCCGAGTGCCCTTCTTTGAC-3'
Protein context (NP_065972.4, residues 508-528): LENVLAEKFG[Asp518Gly]LDPSSAEFFL

ClinVar aggregate classification (germline): Uncertain significance (1 of 4 stars; one submission).

gnomAD v4.1: 1 of 1,613,960 alleles (0.000062%); highest among the groups gnomAD compares: Non-Finnish European, 0.000085%; no homozygotes.

Submission:

Labcorp Genetics (formerly Invitae), Labcorp
Classification: Uncertain significance. Last evaluated: 2025-07-14. Review status: criteria provided, single submitter. Criteria: Invitae Variant Classification Sherloc (09022015). Collection method: clinical testing. Allele origin: germline.
Comment: This sequence change replaces aspartic acid, which is acidic and polar, with glycine, which is neutral and non-polar, at codon 518 of the NIN protein (p.Asp518Gly). This variant is not present in population databases (gnomAD no frequency). This variant has not been reported in the literature in individuals affected with NIN-related conditions. ClinVar contains an entry for this variant (Variation ID: 3625564). An algorithm developed to predict the effect of missense changes on protein structure and function (PolyPhen-2) suggests that this variant is likely to be disruptive. In summary, the available evidence is currently insufficient to determine the role of this variant in disease. Therefore, it has been classified as a Variant of Uncertain Significance.